The following is an entry in ClinVar:

ClinVar aggregate classification (germline): Conflicting classifications of pathogenicity. Review status: criteria provided, conflicting classifications (1 of 4 stars). 2 submissions from 2 submitters: Likely pathogenic (1); Uncertain significance (1). Last evaluated 2025-05-21.

Conditions:
Glanzmann thrombasthenia. Also called: THROMBASTHENIA OF GLANZMANN AND NAEGELI; Glanzmann's thrombasthenia; PLATELET GLYCOPROTEIN IIb-IIIa DEFICIENCY; Thrombasthenia. Identifiers: Orphanet 849, MedGen C0040015, MONDO:0100326.
ITGA2B-related disorder. Also called: ITGA2B-related condition; ITGA2B-related disorders.

Submissions (2):

Labcorp Genetics (formerly Invitae), Labcorp
Classification: Likely pathogenic for Glanzmann thrombasthenia. Last evaluated: 2025-05-21. Review status: criteria provided, single submitter. Criteria: Invitae Variant Classification Sherloc (09022015). Collection method: clinical testing. Allele origin: germline.
Comment: This sequence change replaces arginine, which is basic and polar, with leucine, which is neutral and non-polar, at codon 1026 of the ITGA2B protein (p.Arg1026Leu). This variant is not present in population databases (gnomAD no frequency). This variant has not been reported in the literature in individuals affected with ITGA2B-related conditions. ClinVar contains an entry for this variant (Variation ID: 2629692). Invitae Evidence Modeling of protein sequence and biophysical properties (such as structural, functional, and spatial information, amino acid conservation, physicochemical variation, residue mobility, and thermodynamic stability) indicates that this missense variant is expected to disrupt ITGA2B protein function with a positive predictive value of 95%. This variant disrupts the p.Arg1026 amino acid residue in ITGA2B. Other variant(s) that disrupt this residue have been determined to be pathogenic (PMID: 21454453, 29090484, 31119735). This suggests that this residue is clinically significant, and that variants that disrupt this residue are likely to be disease-causing. In summary, the currently available evidence indicates that the variant is pathogenic, but additional data are needed to prove that conclusively. Therefore, this variant has been classified as Likely Pathogenic.

PreventionGenetics, part of Exact Sciences
Classification: Uncertain significance for ITGA2B-related condition. Last evaluated: 2022-12-10. Review status: criteria provided, single submitter. Criteria: ACMG Guidelines, 2015. Collection method: clinical testing. Allele origin: germline.
Comment: The ITGA2B c.3077G>T variant is predicted to result in the amino acid substitution p.Arg1026Leu. To our knowledge, this variant has not been reported in the literature or in a large population database, indicating this variant is rare. At this time, the clinical significance of this variant is uncertain due to the absence of conclusive functional and genetic evidence.

Literature cited by the submitters: PubMed 21454453 (cited by Labcorp Genetics (formerly Invitae), Labcorp); PubMed 29090484 (cited by Labcorp Genetics (formerly Invitae), Labcorp); PubMed 31119735 (cited by Labcorp Genetics (formerly Invitae), Labcorp).

NM_000419.5(ITGA2B):c.3077G>T (p.Arg1026Leu)

Gene: ITGA2B (integrin subunit alpha 2b; minus strand). Cytogenetic location: 17q21.31.
Variant type: single nucleotide variant.
Coding change: c.3077G>T on transcript NM_000419.5 (MANE Select); coding-DNA position 3077, G replaced by T.
Protein change: p.Arg1026Leu; replaces arginine 1026 with leucine.
Molecular consequence: missense variant.
Genome position (GRCh38, 1-based): chr17:44,372,407, C>A on the plus strand (G>T on the coding strand, the complement: ITGA2B is on the minus strand). VCF-style: chr17-44372407-C-A. GRCh37 (hg19) VCF-style: chr17-42449775-C-A.
Other names: short protein forms R1026L.
Identifiers: ClinVar variation 2629692 (VCV002629692.2), dbSNP rs879255514, ClinGen allele CA399787855.